The following is an entry in ClinVar:

NM_013432.5(TONSL):c.3071A>G (p.Gln1024Arg)

Gene: TONSL (tonsoku like, DNA repair protein; minus strand). Cytogenetic location: 8q24.3.
Variant type: single nucleotide variant.
Coding change: c.3071A>G on transcript NM_013432.5 (MANE Select); coding-DNA position 3071, A replaced by G.
Protein change: p.Gln1024Arg; replaces glutamine 1024 with arginine.
Molecular consequence: missense variant.
Genome position (GRCh38, 1-based): chr8:144,434,825, T>C on the plus strand (A>G on the coding strand, the complement: TONSL is on the minus strand). VCF-style: chr8-144434825-T-C. GRCh37 (hg19) VCF-style: chr8-145660208-T-C.
Other names: short protein forms Q1024R.
Identifiers: ClinVar variation 1017406 (VCV001017406.4), dbSNP rs1823366423, ClinGen allele CA372648646.

ClinVar aggregate classification (germline): Uncertain significance (1 of 4 stars; one submission).

Allele frequency attached by ClinVar (database versions not stated): gnomAD exomes below 0.00001; TOPMed below 0.00001.
gnomAD v4.1: 2 of 1,613,498 alleles (0.00012%); highest among the groups gnomAD compares: Non-Finnish European, 0.00017%; no homozygotes.

Submission:

Labcorp Genetics (formerly Invitae), Labcorp
Classification: Uncertain significance. Last evaluated: 2025-10-21. Review status: criteria provided, single submitter. Criteria: Invitae Variant Classification Sherloc (09022015). Collection method: clinical testing. Allele origin: germline.
Comment: This sequence change replaces glutamine, which is neutral and polar, with arginine, which is basic and polar, at codon 1024 of the TONSL protein (p.Gln1024Arg). This variant is not present in population databases (gnomAD no frequency). This variant has not been reported in the literature in individuals affected with TONSL-related conditions. ClinVar contains an entry for this variant (Variation ID: 1017406). Invitae Evidence Modeling of protein sequence and biophysical properties (such as structural, functional, and spatial information, amino acid conservation, physicochemical variation, residue mobility, and thermodynamic stability) indicates that this missense variant is not expected to disrupt TONSL protein function with a negative predictive value of 80%. In summary, the available evidence is currently insufficient to determine the role of this variant in disease. Therefore, it has been classified as a Variant of Uncertain Significance.